The following is an entry in ClinVar:

ClinVar aggregate classification (germline): Pathogenic/Likely pathogenic. Review status: criteria provided, multiple submitters, no conflicts (2 of 4 stars). 2 submissions from 2 submitters: Pathogenic (1); Likely pathogenic (1). Last evaluated 2025-07-11.

Conditions:
GJB1-related disorder. Also called: GJB1-related condition; GJB1-related disorders.
Charcot-Marie-Tooth Neuropathy X. Identifiers: MedGen CN118851.

Submissions (2):

Labcorp Genetics (formerly Invitae), Labcorp
Classification: Pathogenic for Charcot-Marie-Tooth Neuropathy X. Last evaluated: 2025-07-11. Review status: criteria provided, single submitter. Criteria: Invitae Variant Classification Sherloc (09022015). Collection method: clinical testing. Allele origin: germline.
Comment: This sequence change replaces serine, which is neutral and polar, with proline, which is neutral and non-polar, at codon 85 of the GJB1 protein (p.Ser85Pro). This variant is not present in population databases (gnomAD no frequency). This missense change has been observed in individual(s) with clinical features of Charcot-Marie-Tooth disease (external communication). In at least one individual the variant was observed to be de novo. Invitae Evidence Modeling of protein sequence and biophysical properties (such as structural, functional, and spatial information, amino acid conservation, physicochemical variation, residue mobility, and thermodynamic stability) indicates that this missense variant is expected to disrupt GJB1 protein function with a positive predictive value of 95%. This variant disrupts the p.Ser85 amino acid residue in GJB1. Other variant(s) that disrupt this residue have been observed in individuals with GJB1-related conditions (PMID: 9099841), which suggests that this may be a clinically significant amino acid residue. For these reasons, this variant has been classified as Pathogenic.

PreventionGenetics, part of Exact Sciences
Classification: Likely pathogenic for GJB1-related condition. Last evaluated: 2024-10-02. Review status: criteria provided, single submitter. Criteria: ACMG Guidelines, 2015. Collection method: clinical testing. Allele origin: germline.
Comment: The GJB1 c.253T>C variant is predicted to result in the amino acid substitution p.Ser85Pro. To our knowledge, this variant has not been reported in the literature or in a large population database, indicating this variant is rare. Alternate missense variants affecting the same amino acid (p.Ser85Phe and p.Ser85Ala) have been reported in multiple individuals with Charcot-Marie-Tooth disease (Table 1, Bone et al. 1997. PubMed ID: 9361298; Table 1, Yuan et al. 2018. PubMed ID: 29998508). This variant is interpreted as likely pathogenic.

Literature cited by the submitters: PubMed 9099841 (cited by Labcorp Genetics (formerly Invitae), Labcorp).

NM_000166.6(GJB1):c.253T>C (p.Ser85Pro)

Gene: GJB1 (gap junction protein beta 1; plus strand). Cytogenetic location: Xq13.1.
Variant type: single nucleotide variant.
Coding change: c.253T>C on transcript NM_000166.6 (MANE Select); coding-DNA position 253, T replaced by C.
Protein change: p.Ser85Pro; replaces serine 85 with proline.
Molecular consequence: missense variant.
Genome position (GRCh38, 1-based): chrX:71,223,960, T>C. VCF-style: chrX-71223960-T-C. GRCh37 (hg19) VCF-style: chrX-70443810-T-C.
Other names: c.253T>C (NM_000166.5); c.253T>C, p.Ser85Pro (NM_001097642.3, NM_001440770.1); short protein forms S85P.
Identifiers: ClinVar variation 4710053 (VCV004710053.2).